The following is an entry in ClinVar:

NM_001103.4(ACTN2):c.698A>G (p.Asp233Gly)

Gene: ACTN2 (actinin alpha 2; plus strand). Cytogenetic location: 1q43.
Variant type: single nucleotide variant.
Coding change: c.698A>G on transcript NM_001103.4 (MANE Select); coding-DNA position 698, A replaced by G.
Protein change: p.Asp233Gly; replaces aspartic acid 233 with glycine.
Molecular consequence: missense variant. On other transcripts: non-coding transcript variant (1), intron variant (1).
Genome position (GRCh38, 1-based): chr1:236,735,635, A>G. VCF-style: chr1-236735635-A-G. GRCh37 (hg19) VCF-style: chr1-236898935-A-G.
Other names: c.783+1117A>G (NM_001278343.2); short protein forms D233G.
Identifiers: ClinVar variation 3760227 (VCV003760227.2).
Genomic context (GRCh38, chr1:236,735,635, plus strand): 5'-GTCTGTATGTGTGTGGTGTGTGTGTGTGCGCGCGTCCTGTGTTATTTTCTCCCCCTTCAG[A>G]CATCGTGAACACCCCTAAACCCGATGAAAGAGCCATCATGACGTACGTCTCTTGCTTCTA-3'
Protein context (NP_001094.1, residues 223-243): LDIPKMLDAE[Asp233Gly]IVNTPKPDER

ClinVar aggregate classification (germline): Uncertain significance (1 of 4 stars; one submission).

Conditions:
Primary familial hypertrophic cardiomyopathy (HCM). Identifiers: Orphanet 99739, MedGen C0949658, MeSH D024741, MONDO:0024573. Inheritance: Various modes of inheritance.
Dilated cardiomyopathy 1AA (CMD1AA). Also called: CARDIOMYOPATHY, DILATED, 1AA, WITH OR WITHOUT LEFT VENTRICULAR NONCOMPACTION; CARDIOMYOPATHY, FAMILIAL HYPERTROPHIC, 23, WITH OR WITHOUT LEFT VENTRICULAR NONCOMPACTION; Cardiomyopathy, dilated, 1AA, with or without LVNC. Identifiers: Orphanet 154, MedGen C2677338, MONDO:0012808, OMIM 612158.

gnomAD v4.1: 1 of 1,613,868 alleles (0.000062%); highest among the groups gnomAD compares: South Asian, 0.0011%; no homozygotes.

Submission:

Labcorp Genetics (formerly Invitae), Labcorp
Classification: Uncertain significance for Primary familial hypertrophic cardiomyopathy; Dilated cardiomyopathy 1AA. Last evaluated: 2025-03-14. Review status: criteria provided, single submitter. Criteria: Invitae Variant Classification Sherloc (09022015). Collection method: clinical testing. Allele origin: germline.
Comment: This sequence change replaces aspartic acid, which is acidic and polar, with glycine, which is neutral and non-polar, at codon 233 of the ACTN2 protein (p.Asp233Gly). This variant is not present in population databases (gnomAD no frequency). This variant has not been reported in the literature in individuals affected with ACTN2-related conditions. An algorithm developed to predict the effect of missense changes on protein structure and function (PolyPhen-2) suggests that this variant is likely to be disruptive. In summary, the available evidence is currently insufficient to determine the role of this variant in disease. Therefore, it has been classified as a Variant of Uncertain Significance.